The following is an entry in ClinVar:

NM_001165963.4(SCN1A):c.5421G>A (p.Met1807Ile)

Genes: SCN1A (sodium voltage-gated channel alpha subunit 1; minus strand), LOC102724058 (uncharacterized LOC102724058; plus strand). Cytogenetic location: 2q24.3.
Variant type: single nucleotide variant.
Coding change: c.5421G>A on transcript NM_001165963.4 (MANE Select); coding-DNA position 5421, G replaced by A.
Protein change: p.Met1807Ile; replaces methionine 1807 with isoleucine.
Molecular consequence: missense variant. On other transcripts: non-coding transcript variant (1).
Genome position (GRCh38, 1-based): chr2:165,991,854, C>T on the plus strand (G>A on the coding strand, the complement: SCN1A is on the minus strand). VCF-style: chr2-165991854-C-T. GRCh37 (hg19) VCF-style: chr2-166848364-C-T.
Other names: c.5337G>A, p.Met1779Ile (NM_001165964.3, NM_001353957.2, NM_001353958.2); c.5421G>A, p.Met1807Ile (NM_001202435.3, NM_001353948.2); c.5388G>A, p.Met1796Ile (NM_001353949.2, NM_001353950.2, NM_001353951.2 and 2 more transcripts); c.5385G>A, p.Met1795Ile (NM_001353954.2, NM_001353955.2); c.5334G>A, p.Met1778Ile (NM_001353960.2); c.2979G>A, p.Met993Ile (NM_001353961.2); short protein forms M1778I, M1779I, M1795I, M1796I, M1807I, M993I.
Identifiers: ClinVar variation 1205475 (VCV001205475.4), dbSNP rs1689220137, ClinGen allele CA349067671.

ClinVar aggregate classification (germline): Uncertain significance (1 of 4 stars; one submission).

Allele frequency attached by ClinVar (database versions not stated): gnomAD exomes below 0.00001; gnomAD 0.00001; TOPMed 0.00001.

Submission:

GeneDx
Classification: Uncertain significance. Last evaluated: 2024-06-13. Review status: criteria provided, single submitter. Criteria: GeneDx Variant Classification Process June 2021. Collection method: clinical testing. Allele origin: germline. Affected: yes.
Comment: Has not been previously published as pathogenic or benign to our knowledge; Not observed at significant frequency in large population cohorts (gnomAD); In silico analysis supports that this missense variant has a deleterious effect on protein structure/function; This substitution is predicted to be within the C-terminal cytoplasmic domain.